The following is an entry in ClinVar:

NM_002016.2(FLG):c.5895C>T (p.Ala1965=)

Genes: CCDST (cervical cancer associated DHX9 suppressive transcript; plus strand), FLG (filaggrin; minus strand). Cytogenetic location: 1q21.3.
Variant type: single nucleotide variant.
Coding change: c.5895C>T on transcript NM_002016.2 (MANE Select); coding-DNA position 5895, C replaced by T.
Protein change: p.Ala1965=; no amino-acid change (alanine 1965 retained).
Molecular consequence: synonymous variant.
Genome position (GRCh38, 1-based): chr1:152,308,991, G>A on the plus strand (C>T on the coding strand, the complement: FLG is on the minus strand). VCF-style: chr1-152308991-G-A. GRCh37 (hg19) VCF-style: chr1-152281467-G-A.
Identifiers: ClinVar variation 3765563 (VCV003765563.2).

ClinVar aggregate classification (germline): Conflicting classifications of pathogenicity. Review status: criteria provided, conflicting classifications (1 of 4 stars). 2 submissions from 2 submitters: Uncertain significance (1); Likely benign (1). Last evaluated 2024-11-07.

gnomAD v4.1: 149 of 1,614,140 alleles (0.0092%); highest among the groups gnomAD compares: East Asian, 0.089%; no homozygotes.

Submissions (2):

Blueprint Genetics
Classification: Likely benign. Last evaluated: 2024-11-07. Review status: criteria provided, single submitter. Criteria: ACMG Guidelines, 2015. Collection method: clinical testing. Allele origin: germline.

Greenwood Genetic Center Diagnostic Laboratories, Greenwood Genetic Center
Classification: Uncertain significance. Last evaluated: 2024-08-05. Review status: criteria provided, single submitter. Criteria: ACMG Guidelines, 2015. Collection method: clinical testing. Allele origin: germline. Affected: yes.
Comment: BP4